The following is an entry in ClinVar:

NM_001003722.2(GLE1):c.1946_1947del (p.Lys649fs)

Genes: GLE1 (GLE1 RNA export mediator; plus strand), LOC101929270 (uncharacterized LOC101929270; minus strand). Cytogenetic location: 9q34.11.
Variant type: Deletion.
Coding change: c.1946_1947del on transcript NM_001003722.2 (MANE Select); coding-DNA positions 1946 to 1947, 2 bases deleted (AA; older notation c.1946_1947delAA).
Protein change: p.Lys649fs; shifts the reading frame from lysine 649.
Molecular consequence: frameshift variant.
Genome position (GRCh38, 1-based): chr9:128,539,680-128,539,681, AA deleted; deleting any 2 consecutive bases within chr9:128,539,679-128,539,681 gives the same sequence; the c. name uses the placement nearest the transcript's 3' end. VCF-style (leftmost placement, unchanged base first): chr9-128539678-CAA-C. GRCh37 (hg19) VCF-style: chr9-131301957-CAA-C.
Other names: c.1946_1947delAA, p.Lys649Argfs (NM_001003722.1); c.1973_1974del, p.Lys658fs (NM_001411013.1); c.1946_1947del, p.Lys649fs (NM_001499.2); short protein forms K649fs, K658fs.
Identifiers: ClinVar variation 4814495 (VCV004814495.1).

ClinVar aggregate classification (germline): Likely pathogenic (1 of 4 stars; one submission).

Conditions:
Lethal congenital contractural syndrome Finnish type.

Submission:

Natera, Inc.
Classification: Likely pathogenic for Lethal congenital contractural syndrome Finnish type. Last evaluated: 2026-01-21. Review status: criteria provided, single submitter. Criteria: Natera Variant Classification Schema (03/2026). Collection method: clinical testing. Allele origin: germline.
Comment: The c.1946_1947del variant in GLE1 is a frameshift variant predicted to shift the reading frame beginning at codon 649 and leads to a stop codon 8 codons downstream. This variant is expected to result in nonsense mediated decay, truncation, or a dysfunctional protein product. This variant is rare in the general population with a frequency below the threshold expected for the associated phenotype(s). Given the available evidence, this variant is classified as Likely Pathogenic.